The following is an entry in ClinVar:

NM_000214.3(JAG1):c.3114T>G (p.Leu1038=)

Gene: JAG1 (jagged canonical Notch ligand 1; minus strand). Cytogenetic location: 20p12.2.
Variant type: single nucleotide variant.
Coding change: c.3114T>G on transcript NM_000214.3 (MANE Select); coding-DNA position 3114, T replaced by G.
Protein change: p.Leu1038=; no amino-acid change (leucine 1038 retained).
Molecular consequence: synonymous variant.
Genome position (GRCh38, 1-based): chr20:10,640,868, A>C on the plus strand (T>G on the coding strand, the complement: JAG1 is on the minus strand). VCF-style: chr20-10640868-A-C. GRCh37 (hg19) VCF-style: chr20-10621516-A-C.
Identifiers: ClinVar variation 696008 (VCV000696008.15), dbSNP rs371805640, ClinGen allele CA9764276.
Genomic context (GRCh38, chr20:10,640,868, plus strand): 5'-CTGAACTCTTACTTCTGCAACGGCAGCAATCAGCGAGCTGTTTCCATCACGTTTACTAAC[A>C]AGATCGATTATTTTGTCAGTGATTTCCTTGATCGGGTTCCCATCATCCCGTATATCTTCA-3'
Protein context (NP_000205.1, residues 1028-1048): IKEITDKIID[Leu1038=]VSKRDGNSSL

ClinVar aggregate classification (germline): Benign/Likely benign. Review status: criteria provided, multiple submitters, no conflicts (2 of 4 stars). 4 submissions from 4 submitters: Benign (2); Likely benign (2). Last evaluated 2025-12-04.

Conditions:
Isolated Nonsyndromic Congenital Heart Disease.
Cardiovascular phenotype. Identifiers: MedGen CN230736.
Alagille syndrome due to a JAG1 point mutation. Also called: JAG1-Related Alagille Syndrome; Alagille Syndrome 1; HEPATIC DUCTULAR HYPOPLASIA, SYNDROMATIC. Identifiers: Orphanet 261619, Orphanet 52, MedGen C1956125, MONDO:0016862, OMIM 118450.

Allele frequency attached by ClinVar (database versions not stated): gnomAD 0.00023 and 0.00026; ExAC 0.00028; gnomAD exomes 0.00033 and 0.00022; TOPMed 0.00009; ESP Exome Variant Server 0.00015.
gnomAD v4.1: 367 of 1,614,062 alleles (0.023%); highest among the groups gnomAD compares: Non-Finnish European, 0.017%; 2 homozygotes.

Submissions (5):

Labcorp Genetics (formerly Invitae), Labcorp
Classification: Benign for Alagille syndrome due to a JAG1 point mutation. Last evaluated: 2025-12-04. Review status: criteria provided, single submitter. Criteria: Invitae Variant Classification Sherloc (09022015). Collection method: clinical testing. Allele origin: germline.

Blueprint Genetics
Classification: Likely benign. Last evaluated: 2024-06-21. Review status: criteria provided, single submitter. Criteria: ACMG Guidelines, 2015. Collection method: clinical testing. Allele origin: germline.

Ambry Genetics
Classification: Likely benign for Cardiovascular phenotype. Last evaluated: 2022-08-20. Review status: criteria provided, single submitter. Criteria: Ambry Variant Classification Scheme 2023. Collection method: clinical testing. Allele origin: germline.

Illumina Laboratory Services, Illumina
Classification: Benign for Isolated Nonsyndromic Congenital Heart Disease. Last evaluated: 2018-01-13. Review status: criteria provided, single submitter. Criteria: ICSL Variant Classification Criteria 13 December 2019. Collection method: clinical testing. Allele origin: germline.
Comment: This variant was observed in the ICSL laboratory as part of a predisposition screen in an ostensibly healthy population. It had not been previously curated by ICSL or reported in the Human Gene Mutation Database (HGMD: prior to June 1st, 2018), and was therefore a candidate for classification through an automated scoring system. Utilizing variant allele frequency, disease prevalence and penetrance estimates, and inheritance mode, an automated score was calculated to assess if this variant is too frequent to cause the disease. Based on the score and internal cut-off values, a variant classified as benign is not then subjected to further curation. The score for this variant resulted in a classification of benign for this disease.

Dr. Peter K. Rogan Lab, Western University
No classification provided (evidence only). Condition: Ovarian serous cystadenocarcinoma. Review status: no classification provided. Collection method: in vitro. Allele origin: not applicable. Functional consequence: retained intron. Not counted in ClinVar's aggregate classification.